The following is an entry in ClinVar:

NM_013275.6(ANKRD11):c.674C>T (p.Ala225Val)

Gene: ANKRD11 (ankyrin repeat domain 11; minus strand). Cytogenetic location: 16q24.3.
Variant type: single nucleotide variant.
Coding change: c.674C>T on transcript NM_013275.6 (MANE Select); coding-DNA position 674, C replaced by T.
Protein change: p.Ala225Val; replaces alanine 225 with valine.
Molecular consequence: missense variant. On other transcripts: non-coding transcript variant (1).
Genome position (GRCh38, 1-based): chr16:89,288,598, G>A on the plus strand (C>T on the coding strand, the complement: ANKRD11 is on the minus strand). VCF-style: chr16-89288598-G-A. GRCh37 (hg19) VCF-style: chr16-89355006-G-A.
Other names: c.674C>T, p.Ala225Val (NM_001256182.2, NM_001256183.2); short protein forms A225V.
Identifiers: ClinVar variation 372597 (VCV000372597.6), dbSNP rs746852311, ClinGen allele CA8243014.

ClinVar aggregate classification (germline): Conflicting classifications of pathogenicity. Review status: criteria provided, conflicting classifications (1 of 4 stars). 2 submissions from 2 submitters: Likely pathogenic (1); Uncertain significance (1). Last evaluated 2026-08-15.

Conditions:
KBG syndrome (KBGS). Also called: ANKRD11-Related KBG Syndrome. Identifiers: Orphanet 2332, MedGen C0220687, MONDO:0007846, OMIM 148050.

Allele frequency attached by ClinVar (database versions not stated): gnomAD exomes below 0.00001; gnomAD 0.00001; TOPMed below 0.00001; ExAC 0.00001.
gnomAD v4.1: 4 of 1,613,978 alleles (0.00025%); highest among the groups gnomAD compares: Non-Finnish European, 0.00034%; no homozygotes.

Submissions (2):

GeneDx
Classification: Likely pathogenic. Last evaluated: 2026-08-15. Review status: criteria provided, single submitter. Criteria: GeneDx Variant Classification Process June 2021. Collection method: clinical testing. Allele origin: germline.
Comment: De novo variant with confirmed parentage in a patient in published literature from a cohort of individuals with developmental disorders; however, detailed clinical information was not provided (PMID: 33057194); Not observed at significant frequency in large population cohorts (gnomAD); In silico analysis supports that this missense variant has a deleterious effect on protein structure/function; This variant is associated with the following publications: (PMID: 35982159, 33057194)

Victorian Clinical Genetics Services, Murdoch Childrens Research Institute
Classification: Uncertain significance for KBG syndrome. Last evaluated: 2023-07-17. Review status: criteria provided, single submitter. Criteria: ACMG Guidelines, 2015. Collection method: clinical testing. Allele origin: germline. Inheritance: Autosomal dominant inheritance. Affected: yes.
Comment: Based on the classification scheme VCGS_Germline_v1.3.4, this variant is classified as VUS-3A. Following criteria are met: 0102 - Loss of function is a known mechanism of disease in this gene and is associated with KBG syndrome (MIM#148050). (I) 0107 - This gene is associated with autosomal dominant disease. (I) 0115 - Variants in this gene are known to have variable expressivity. Males tend to be more severely affected than females for unknown reasons. Intrafamilial variability is commonly reported (PMID 29258554). (I) 0200 - Variant is predicted to result in a missense amino acid change from alanine to valine. (I) 0251 - This variant is heterozygous. (I) 0302 - Variant is present in gnomAD (v2 and v3) <0.001 for a dominant condition (2 heterozygotes). (SP) 0502 - Missense variant with conflicting in silico predictions and uninformative conservation. (I) 0600 - Variant is located in the annotated Ank2 domain (DECIPHER). (I) 0705 - No comparable missense variants have previous evidence for pathogenicity. (I) 0802 - This variant has moderate previous evidence of pathogenicity in an unrelated individual. It has been reported once as likely pathogenic. This variant was identified as de novo and heterozygous in an individual with intellectual disability, seizures and failure to thrive (ClinVar). (SP) 0905 - No published segregation evidence has been identified for this variant. (I) 1007 - No published functional evidence has been identified for this variant. (SP) Legend: (SP) - Supporting pathogenic, (I) - Information, (SB) - Supporting benign

Literature cited by the submitters: PubMed 29258554 (cited by Victorian Clinical Genetics Services, Murdoch Childrens Research Institute).